The following is an entry in ClinVar:

NM_000214.3(JAG1):c.892A>C (p.Asn298His)

Gene: JAG1 (jagged canonical Notch ligand 1; minus strand). Cytogenetic location: 20p12.2.
Variant type: single nucleotide variant.
Coding change: c.892A>C on transcript NM_000214.3 (MANE Select); coding-DNA position 892, A replaced by C.
Protein change: p.Asn298His; replaces asparagine 298 with histidine.
Molecular consequence: missense variant.
Genome position (GRCh38, 1-based): chr20:10,652,245, T>G on the plus strand (A>C on the coding strand, the complement: JAG1 is on the minus strand). VCF-style: chr20-10652245-T-G. GRCh37 (hg19) VCF-style: chr20-10632893-T-G.
Other names: short protein forms N298H.
Identifiers: ClinVar variation 3573169 (VCV003573169.2).

Conditions:
Arteriohepatic dysplasia. Also called: Alagille Syndrome. Identifiers: Orphanet 52, MedGen C0085280, MeSH D016738, MONDO:0007318.

Submission:

Gilbert/Spinner Lab, Children's Hospital of Philadelphia
No classification provided (evidence only). Condition: Alagille syndrome. Review status: no classification provided. Collection method: research. Allele origin: not applicable. Functional consequence: functionally_abnormal.
ClinVar note: "not provided" was previously submitted as the classification for the variant. However, the classification appeared to be based only on an observation of functional data so it was converted to no classification on 2025-07-30.